The following is an entry in ClinVar:

ClinVar aggregate classification (germline): Pathogenic. Review status: criteria provided, multiple submitters, no conflicts (2 of 4 stars). 2 submissions from 2 submitters: Pathogenic (2). Last evaluated 2023-10-17.

Conditions:
Imerslund-Grasbeck syndrome. Also called: ENTEROCYTE COBALAMIN MALABSORPTION; ENTEROCYTE INTRINSIC FACTOR RECEPTOR, DEFECT OF; PERNICIOUS ANEMIA, JUVENILE, DUE TO SELECTIVE INTESTINAL MALABSORPTION OF VITAMIN B12, WITH PROTEINURIA; Megaloblastic anemia due to inborn errors of metabolism; Imerslund-Gräsbeck syndrome. Identifiers: Orphanet 35858, MedGen C4551825, MONDO:0009853.

Submissions (2):

Labcorp Genetics (formerly Invitae), Labcorp
Classification: Pathogenic for Imerslund-Grasbeck syndrome. Last evaluated: 2023-10-17. Review status: criteria provided, single submitter. Criteria: Invitae Variant Classification Sherloc (09022015). Collection method: clinical testing. Allele origin: germline.
Comment: This sequence change creates a premature translational stop signal (p.Trp2798*) in the CUBN gene. It is expected to result in an absent or disrupted protein product. Loss-of-function variants in CUBN are known to be pathogenic (PMID: 15024727, 22929189, 25349199, 31613795, 34979989). This variant is not present in population databases (gnomAD no frequency). This variant has not been reported in the literature in individuals affected with CUBN-related conditions. ClinVar contains an entry for this variant (Variation ID: 915278). For these reasons, this variant has been classified as Pathogenic.

Genomic Research Center, Shahid Beheshti University of Medical Sciences
Classification: Pathogenic. Last evaluated: 2020-05-03. Review status: criteria provided, single submitter. Criteria: ACMG Guidelines, 2015. Collection method: clinical testing. Allele origin: unknown. Affected: no.

Literature cited by the submitters: PubMed 15024727 (cited by Labcorp Genetics (formerly Invitae), Labcorp); PubMed 22929189 (cited by Labcorp Genetics (formerly Invitae), Labcorp); PubMed 25349199 (cited by Labcorp Genetics (formerly Invitae), Labcorp); PubMed 31613795 (cited by Labcorp Genetics (formerly Invitae), Labcorp); PubMed 34979989 (cited by Labcorp Genetics (formerly Invitae), Labcorp).

NM_001081.4(CUBN):c.8393G>A (p.Trp2798Ter)

Gene: CUBN (cubilin; minus strand). Cytogenetic location: 10p13.
Variant type: single nucleotide variant.
Coding change: c.8393G>A on transcript NM_001081.4 (MANE Select); coding-DNA position 8393, G replaced by A.
Protein change: p.Trp2798Ter; replaces tryptophan 2798 with a stop codon.
Molecular consequence: nonsense.
Genome position (GRCh38, 1-based): chr10:16,900,642, C>T on the plus strand (G>A on the coding strand, the complement: CUBN is on the minus strand). VCF-style: chr10-16900642-C-T. GRCh37 (hg19) VCF-style: chr10-16942641-C-T.
Other names: short protein forms W2798*.
Identifiers: ClinVar variation 915278 (VCV000915278.6), dbSNP rs1841332247, ClinGen allele CA376140997.